The following is an entry in ClinVar:

NM_000264.5(PTCH1):c.2924C>T (p.Pro975Leu)

Gene: PTCH1 (patched 1; minus strand). Cytogenetic location: 9q22.32.
Variant type: single nucleotide variant.
Coding change: c.2924C>T on transcript NM_000264.5 (MANE Select); coding-DNA position 2924, C replaced by T.
Protein change: p.Pro975Leu; replaces proline 975 with leucine.
Molecular consequence: missense variant. On other transcripts: non-coding transcript variant (1).
Genome position (GRCh38, 1-based): chr9:95,458,257, G>A on the plus strand (C>T on the coding strand, the complement: PTCH1 is on the minus strand). VCF-style: chr9-95458257-G-A. GRCh37 (hg19) VCF-style: chr9-98220539-G-A.
Other names: c.2726C>T, p.Pro909Leu (NM_001083602.3); c.2921C>T, p.Pro974Leu (NM_001083603.3); c.2471C>T, p.Pro824Leu (NM_001083604.3, NM_001083605.3, NM_001083606.3 and 1 more transcripts); c.2768C>T, p.Pro923Leu (NM_001354918.2); short protein forms P824L, P909L, P923L, P974L, P975L.
Identifiers: ClinVar variation 1692310 (VCV001692310.3), dbSNP rs2136662526, ClinGen allele CA374112769.

ClinVar aggregate classification (germline): Uncertain significance. Review status: criteria provided, multiple submitters, no conflicts (2 of 4 stars). 2 submissions from 2 submitters: Uncertain significance (2). Last evaluated 2026-07-29.

Conditions:
Hereditary cancer-predisposing syndrome. Also called: Tumor predisposition; Hereditary neoplastic syndrome; Neoplastic Syndromes, Hereditary; Hereditary Cancer Syndrome. Identifiers: Orphanet 140162, MedGen C0027672, MeSH D009386, MONDO:0015356.

Submissions (2):

Ambry Genetics
Classification: Uncertain significance for Hereditary cancer-predisposing syndrome. Last evaluated: 2026-07-29. Review status: criteria provided, single submitter. Criteria: Ambry Variant Classification Scheme 2023. Collection method: clinical testing. Allele origin: germline.
Comment: The p.P975L variant (also known as c.2924C>T), located in coding exon 18 of the PTCH1 gene, results from a C to T substitution at nucleotide position 2924. The proline at codon 975 is replaced by leucine, an amino acid with similar properties. This amino acid position is conserved. In addition, this alteration is predicted to be deleterious by in silico analysis. Based on the available evidence, the clinical significance of this variant remains unclear.

Sema4
Classification: Uncertain significance for Hereditary cancer-predisposing syndrome. Last evaluated: 2021-11-15. Review status: criteria provided, single submitter. Criteria: Sema4 Curation Guidelines. Collection method: curation. Allele origin: germline.
Comment: The PTCH1 c.2924C>T (p.P975L) variant has not been reported in the literature to our knowledge. It was not observed in the large and broad cohorts of the Genome Aggregation Database, nor has it been reported in ClinVar. In silico tools suggest the impact of the variant on protein function is deleterious, though these predictions have not been confirmed by functional studies. The evidence is insufficient to meet ACMG/AMP criteria for classifying the variant as benign or pathogenic. Thus, the clinical significance of this variant is currently uncertain.